The following is an entry in ClinVar:

NM_001110556.2(FLNA):c.5012T>C (p.Val1671Ala)

Gene: FLNA (filamin A; minus strand). Cytogenetic location: Xq28.
Variant type: single nucleotide variant.
Coding change: c.5012T>C on transcript NM_001110556.2 (MANE Select); coding-DNA position 5012, T replaced by C.
Protein change: p.Val1671Ala; replaces valine 1671 with alanine.
Molecular consequence: missense variant.
Genome position (GRCh38, 1-based): chrX:154,355,030, A>G on the plus strand (T>C on the coding strand, the complement: FLNA is on the minus strand). VCF-style: chrX-154355030-A-G. GRCh37 (hg19) VCF-style: chrX-153583398-A-G.
Other names: c.4988T>C, p.Val1663Ala (NM_001456.4); short protein forms V1663A, V1671A.
Identifiers: ClinVar variation 1303722 (VCV001303722.2), dbSNP rs2148107576, ClinGen allele CA415208409.
Genomic context (GRCh38, chrX:154,355,030, plus strand): 5'-GGCGTGCACACGGTGCACGTCACTTTGCCTTTGCCTGCCGCCTTAGTGTCCACAGTGATC[A>G]CCGTCTCCTCCCCAATCTGAATGGTGGGGCCGATGCCAGCACCTGGTGGGGCAGGGTGGG-3'
Protein context (NP_001104026.1, residues 1661-1681): GPTIQIGEET[Val1671Ala]ITVDTKAAGK

ClinVar aggregate classification (germline): Uncertain significance (1 of 4 stars; one submission).

Submission:

GeneDx
Classification: Uncertain significance. Last evaluated: 2020-02-06. Review status: criteria provided, single submitter. Criteria: GeneDx Variant Classification Process June 2021. Collection method: clinical testing. Allele origin: germline. Affected: yes.
Comment: Not observed in large population cohorts (Lek et al., 2016); In silico analysis, which includes protein predictors and evolutionary conservation, supports that this variant does not alter protein structure/function; Has not been previously published as pathogenic or benign to our knowledge